The following is an entry in ClinVar:

NM_014141.6(CNTNAP2):c.1880T>C (p.Val627Ala)

Gene: CNTNAP2 (contactin associated protein 2; plus strand). Cytogenetic location: 7q35.
Variant type: single nucleotide variant.
Coding change: c.1880T>C on transcript NM_014141.6 (MANE Select); coding-DNA position 1880, T replaced by C.
Protein change: p.Val627Ala; replaces valine 627 with alanine.
Molecular consequence: missense variant.
Genome position (GRCh38, 1-based): chr7:147,562,240, T>C. VCF-style: chr7-147562240-T-C. GRCh37 (hg19) VCF-style: chr7-147259332-T-C.
Other names: short protein forms V627A.
Identifiers: ClinVar variation 1040251 (VCV001040251.9), dbSNP rs138313942, ClinGen allele CA4546224.

ClinVar aggregate classification (germline): Uncertain significance (1 of 4 stars; one submission).

Conditions:
Cortical dysplasia-focal epilepsy syndrome (PTHSL1). Also called: Pitt-Hopkins-like syndrome 1. Identifiers: Orphanet 163681, Orphanet 221150, MedGen C2750246, MONDO:0012400, OMIM 610042.

Allele frequency attached by ClinVar (database versions not stated): gnomAD exomes below 0.00001 and 0.00001; gnomAD 0.00001; TOPMed 0.00001; ExAC 0.00002; ESP Exome Variant Server 0.00008.
gnomAD v4.1: 3 of 1,613,890 alleles (0.00019%); highest among the groups gnomAD compares: African/African-American, 0.004%; no homozygotes.

Submission:

Labcorp Genetics (formerly Invitae), Labcorp
Classification: Uncertain significance for Cortical dysplasia-focal epilepsy syndrome. Last evaluated: 2020-03-26. Review status: criteria provided, single submitter. Criteria: Invitae Variant Classification Sherloc (09022015). Collection method: clinical testing. Allele origin: germline.
Comment: In summary, the available evidence is currently insufficient to determine the role of this variant in disease. Therefore, it has been classified as a Variant of Uncertain Significance. Algorithms developed to predict the effect of missense changes on protein structure and function are either unavailable or do not agree on the potential impact of this missense change (SIFT: "Deleterious"; PolyPhen-2: "Possibly Damaging"; Align-GVGD: "Class C0"). This variant has not been reported in the literature in individuals with CNTNAP2-related conditions. This variant is present in population databases (rs138313942, ExAC 0.02%). This sequence change replaces valine with alanine at codon 627 of the CNTNAP2 protein (p.Val627Ala). The valine residue is moderately conserved and there is a small physicochemical difference between valine and alanine.